The following is an entry in ClinVar:

NM_014208.3(DSPP):c.3150C>T (p.Asp1050=)

Genes: DMP1-AS1 (DMP1 and DSPP antisense RNA 1; minus strand), DSPP (dentin sialophosphoprotein; plus strand). Cytogenetic location: 4q22.1.
Variant type: single nucleotide variant.
Coding change: c.3150C>T on transcript NM_014208.3 (MANE Select); coding-DNA position 3150, C replaced by T.
Protein change: p.Asp1050=; no amino-acid change (aspartic acid 1050 retained).
Molecular consequence: synonymous variant.
Genome position (GRCh38, 1-based): chr4:87,615,812, C>T. VCF-style: chr4-87615812-C-T. GRCh37 (hg19) VCF-style: chr4-88536964-C-T.
Identifiers: ClinVar variation 3388134 (VCV003388134.15).

ClinVar aggregate classification (germline): Likely benign. Review status: criteria provided, multiple submitters, no conflicts (2 of 4 stars). 2 submissions from 2 submitters: Likely benign (2). Last evaluated 2024-10-01.

Submissions (2):

CeGaT Center for Human Genetics Tuebingen
Classification: Likely benign. Last evaluated: 2024-10-01. Review status: criteria provided, single submitter. Criteria: CeGaT Center For Human Genetics Tuebingen Variant Classification Criteria Version 2. Collection method: clinical testing. Allele origin: germline. Affected: yes. Observed: 1 variant allele.
Comment: DSPP: BP4, BP7

Blueprint Genetics
Classification: Likely benign. Last evaluated: 2024-01-09. Review status: criteria provided, single submitter. Criteria: ACMG Guidelines, 2015. Collection method: clinical testing. Allele origin: germline.